The following is an entry in ClinVar:

ClinVar aggregate classification (germline): Uncertain significance. Review status: criteria provided, multiple submitters, no conflicts (2 of 4 stars). 2 submissions from 2 submitters: Uncertain significance (2). Last evaluated 2021-09-21.

Conditions:
Hidrotic ectodermal dysplasia syndrome (GJB6). Also called: ECTODERMAL DYSPLASIA 2, CLOUSTON TYPE; Ectodermal dysplasia 2, hidrotic; Autosomal dominant hidrotic ectodermal dysplasia; Clouston syndrome; Clouston's hidrotic ectodermal dysplasia; CLOUSTON HIDROTIC ECTODERMAL DYSPLASIA. Identifiers: Orphanet 189, MedGen C0162361, MONDO:0007510, OMIM 129500.
Autosomal recessive nonsyndromic hearing loss 1A (DFNB1A). Also called: GJB2-Related Autosomal Recessive Nonsyndromic Hearing Loss; GJB6-Related DFNB 1 Nonsyndromic Hearing Loss and Deafness; Nonsyndromic Hearing Loss and Deafness, DFNB1; Connexin 26 deafness; Deafness nonsyndromic, Connexin 26 linked; Deafness, autosomal recessive 1A. Identifiers: Orphanet 90636, MedGen C2673759, MONDO:0009076, OMIM 220290.
Autosomal dominant nonsyndromic hearing loss 3B. Identifiers: Orphanet 90635, MedGen C2675237, MONDO:0012975, OMIM 612643.
X-linked mixed hearing loss with perilymphatic gusher. Also called: NANCE DEAFNESS; PERILYMPHATIC GUSHER-DEAFNESS SYNDROME; Gusher syndrome; SENSORINEURAL DEAFNESS, PROFOUND, WITH OR WITHOUT A CONDUCTIVE COMPONENT, ASSOCIATED WITH A UNIQUE DEVELOPMENTAL ABNORMALITY OF THE EAR; Deafness, X-linked 2. Identifiers: Orphanet 383, MedGen C1844678, MONDO:0010576, OMIM 304400.
Autosomal recessive nonsyndromic hearing loss 1B. Also called: DEAFNESS, AUTOSOMAL RECESSIVE 1B. Identifiers: Orphanet 90636, MedGen C2675235, MONDO:0012977, OMIM 612645.

Allele frequency attached by ClinVar (database versions not stated): gnomAD exomes below 0.00001 and 0.00001; ExAC 0.00001; gnomAD 0.00001; TOPMed 0.00001.
gnomAD v4.1: 11 of 1,613,968 alleles (0.00068%); highest among the groups gnomAD compares: African/African-American, 0.0013%; no homozygotes.

Submissions (2):

GeneDx
Classification: Uncertain significance. Last evaluated: 2021-09-21. Review status: criteria provided, single submitter. Criteria: GeneDx Variant Classification Process June 2021. Collection method: clinical testing. Allele origin: germline. Affected: yes.
Comment: In silico analysis supports that this missense variant has a deleterious effect on protein structure/function; Has not been previously published as pathogenic or benign to our knowledge

Fulgent Genetics
Classification: Uncertain significance for Hidrotic ectodermal dysplasia syndrome; Autosomal recessive nonsyndromic hearing loss 1A; X-linked mixed hearing loss with perilymphatic gusher; Autosomal dominant nonsyndromic hearing loss 3B; Autosomal recessive nonsyndromic hearing loss 1B. Last evaluated: 2018-10-31. Review status: criteria provided, single submitter. Criteria: ACMG Guidelines, 2015. Collection method: clinical testing. Allele origin: unknown.

NM_001110219.3(GJB6):c.179G>T (p.Cys60Phe)

Gene: GJB6 (gap junction protein beta 6; minus strand). Cytogenetic location: 13q12.11.
Variant type: single nucleotide variant.
Coding change: c.179G>T on transcript NM_001110219.3 (MANE Select); coding-DNA position 179, G replaced by T.
Protein change: p.Cys60Phe; replaces cysteine 60 with phenylalanine.
Molecular consequence: missense variant.
Genome position (GRCh38, 1-based): chr13:20,223,302, C>A on the plus strand (G>T on the coding strand, the complement: GJB6 is on the minus strand). VCF-style: chr13-20223302-C-A. GRCh37 (hg19) VCF-style: chr13-20797441-C-A.
Other names: c.179G>T, p.Cys60Phe (NM_001110220.3, NM_001110221.3, NM_001370090.1 and 3 more transcripts); short protein forms C60F.
Identifiers: ClinVar variation 426683 (VCV000426683.5), dbSNP rs750540794, ClinGen allele CA6904496.